The following is an entry in ClinVar:

ClinVar aggregate classification (germline): Pathogenic (1 of 4 stars; one submission).

Submission:

Labcorp Genetics (formerly Invitae), Labcorp
Classification: Pathogenic. Last evaluated: 2024-05-07. Review status: criteria provided, single submitter. Criteria: Invitae Variant Classification Sherloc (09022015). Collection method: clinical testing. Allele origin: germline.
Comment: This sequence change creates a premature translational stop signal (p.Ala73Glyfs*3) in the NFKB1 gene. It is expected to result in an absent or disrupted protein product. Loss-of-function variants in NFKB1 are known to be pathogenic (PMID: 26279205, 29477724). This variant is not present in population databases (gnomAD no frequency). This variant has not been reported in the literature in individuals affected with NFKB1-related conditions. For these reasons, this variant has been classified as Pathogenic.

Literature cited by the submitters: PubMed 26279205; PubMed 29477724.

NM_003998.4(NFKB1):c.217dup (p.Ala73fs)

Gene: NFKB1 (nuclear factor kappa B subunit 1; plus strand). Cytogenetic location: 4q24.
Variant type: Duplication.
Coding change: c.217dup on transcript NM_003998.4 (MANE Select); coding-DNA position 217, one base duplicated (G; older notation c.217dupG).
Protein change: p.Ala73fs; shifts the reading frame from alanine 73.
Molecular consequence: frameshift variant.
Genome position (GRCh38, 1-based): chr4:102,537,915, G duplicated. VCF-style (leftmost placement, unchanged base first): chr4-102537914-T-TG. GRCh37 (hg19) VCF-style: chr4-103459071-T-TG.
Other names: c.214dup, p.Ala72fs (NM_001165412.2, NM_001319226.2, NM_001382627.1); c.217dup, p.Ala73fs (NM_001382625.1, NM_001382626.1); c.175dup, p.Ala59fs (NM_001382628.1); short protein forms A73fs, A59fs, A72fs.
Identifiers: ClinVar variation 3652008 (VCV003652008.2).
Genomic context (GRCh38, chr4:102,537,914, plus strand): 5'-GCAGAGAGGATTTCGTTTCCGTTATGTATGTGAAGGCCCATCCCATGGTGGACTACCTGG[T>TG]GCCTCTAGTGAAAAGAACAAGAAGTCTTACCCTCAGGTCAAAGTAAGTTTGTGGTAGCTC-3'